The following is an entry in ClinVar:

ClinVar aggregate classification (germline): Uncertain significance. Review status: criteria provided, multiple submitters, no conflicts (2 of 4 stars). 2 submissions from 2 submitters: Uncertain significance (2). Last evaluated 2025-11-17.

Conditions:
FTL-related disorder. Also called: FTL-related condition.
Hereditary hyperferritinemia with congenital cataracts. Also called: HYPERFERRITINEMIA WITH OR WITHOUT CATARACT; Hereditary hyperferritinemia cataract syndrome; Bonneau-Beaumont syndrome. Identifiers: Orphanet 163, MedGen C1833213, MONDO:0010952, OMIM 600886.
Neuroferritinopathy (NBIA3). Also called: NEURODEGENERATION WITH BRAIN IRON ACCUMULATION 3; BASAL GANGLIA DISEASE, ADULT-ONSET. Identifiers: Orphanet 157846, MedGen C1853578, MONDO:0011638, OMIM 606159.

Allele frequency attached by ClinVar (database versions not stated): gnomAD 0.00001; TOPMed 0.00001; gnomAD exomes 0.00003.
gnomAD v4.1: 18 of 713,922 alleles (0.0025%); highest among the groups gnomAD compares: Admixed American, 0.016%; no homozygotes.

Submissions (2):

Labcorp Genetics (formerly Invitae), Labcorp
Classification: Uncertain significance for Neuroferritinopathy; Hereditary hyperferritinemia with congenital cataracts. Last evaluated: 2025-11-17. Review status: criteria provided, single submitter. Criteria: Invitae Variant Classification Sherloc (09022015). Collection method: clinical testing. Allele origin: germline.
Comment: This variant occurs in a non-coding region of the FTL gene. It does not change the encoded amino acid sequence of the FTL protein. This variant is not present in population databases (gnomAD no frequency). This variant has not been reported in the literature in individuals affected with FTL-related conditions. ClinVar contains an entry for this variant (Variation ID: 1412025). Experimental studies and prediction algorithms are not available or were not evaluated, and the functional significance of this variant is currently unknown. Algorithms developed to predict the effect of sequence changes on RNA splicing suggest that this variant may create or strengthen a splice site. In summary, the available evidence is currently insufficient to determine the role of this variant in disease. Therefore, it has been classified as a Variant of Uncertain Significance.

PreventionGenetics, part of Exact Sciences
Classification: Uncertain significance for FTL-related condition. Last evaluated: 2023-04-10. Review status: criteria provided, single submitter. Criteria: ACMG Guidelines, 2015. Collection method: clinical testing. Allele origin: germline.
Comment: The FTL c.-134A>T variant is located in the 5' untranslated region. To our knowledge, this variant has not been reported in the literature or in a large population database, indicating this variant is rare. At this time, the clinical significance of this variant is uncertain due to the absence of conclusive functional and genetic evidence.

NM_000146.4(FTL):c.-134A>T

Gene: FTL (ferritin light chain; plus strand). Cytogenetic location: 19q13.33.
Variant type: single nucleotide variant.
Coding change: c.-134A>T on transcript NM_000146.4 (MANE Select); 134 bases upstream of the start codon, A replaced by T.
Molecular consequence: 5 prime UTR variant.
Genome position (GRCh38, 1-based): chr19:48,965,374, A>T. VCF-style: chr19-48965374-A-T. GRCh37 (hg19) VCF-style: chr19-49468631-A-T.
Other names: c.-134A>T (NM_000146.3).
Identifiers: ClinVar variation 1412025 (VCV001412025.7), dbSNP rs1463766648, ClinGen allele CA883052144.